The following is an entry in ClinVar:

NM_000038.6(APC):c.1309C>G (p.Pro437Ala)

Gene: APC (APC regulator of Wnt signaling pathway; plus strand). Cytogenetic location: 5q22.2.
Variant type: single nucleotide variant.
Coding change: c.1309C>G on transcript NM_000038.6 (MANE Select); coding-DNA position 1309, C replaced by G.
Protein change: p.Pro437Ala; replaces proline 437 with alanine.
Molecular consequence: missense variant.
Genome position (GRCh38, 1-based): chr5:112,819,341, C>G. VCF-style: chr5-112819341-C-G. GRCh37 (hg19) VCF-style: chr5-112155038-C-G.
Other names: c.1006C>G, p.Pro336Ala (NM_001354903.2); c.931C>G, p.Pro311Ala (NM_001354904.2); c.829C>G, p.Pro277Ala (NM_001354905.2); c.460C>G, p.Pro154Ala (NM_001354906.2); c.1339C>G, p.Pro447Ala (NM_001354897.2); c.1234C>G, p.Pro412Ala (NM_001354898.2); c.1132C>G, p.Pro378Ala (NM_001354901.2, NM_001354900.2); c.1036C>G, p.Pro346Ala (NM_001354902.2); and 3 more; short protein forms P419A, P437A, P154A, P447A, P311A, P336A, P378A, P277A.
Identifiers: ClinVar variation 537475 (VCV000537475.13), dbSNP rs1554080176, ClinGen allele CA16024173.

ClinVar aggregate classification (germline): Uncertain significance. Review status: criteria provided, multiple submitters, no conflicts (2 of 4 stars). 2 submissions from 2 submitters: Uncertain significance (2). Last evaluated 2025-05-09.

Conditions:
Hereditary cancer-predisposing syndrome. Also called: Tumor predisposition; Hereditary Cancer Syndrome; Hereditary neoplastic syndrome; Neoplastic Syndromes, Hereditary. Identifiers: Orphanet 140162, MedGen C0027672, MeSH D009386, MONDO:0015356.
Familial adenomatous polyposis 1 (FAP1). Also called: FAMILIAL ADENOMATOUS POLYPOSIS 1, ATTENUATED; POLYPOSIS, ADENOMATOUS INTESTINAL. Identifiers: MedGen C2713442, MONDO:0021056, OMIM 175100. Disease mechanism: loss of function.

Allele frequency attached by ClinVar (database versions not stated): gnomAD exomes below 0.00001.
gnomAD v4.1: 1 of 1,613,988 alleles (0.000062%); highest among the groups gnomAD compares: Non-Finnish European, 0.000085%; no homozygotes.

Submissions (2):

Ambry Genetics
Classification: Uncertain significance for Hereditary cancer-predisposing syndrome. Last evaluated: 2025-05-09. Review status: criteria provided, single submitter. Criteria: Ambry Variant Classification Scheme 2023. Collection method: clinical testing. Allele origin: germline.
Comment: The p.P437A variant (also known as c.1309C>G), located in coding exon 9 of the APC gene, results from a C to G substitution at nucleotide position 1309. The proline at codon 437 is replaced by alanine, an amino acid with highly similar properties. This amino acid position is highly conserved in available vertebrate species. In addition, in silico predictors for this gene do not accurately predict pathogenicity. Since supporting evidence is limited at this time, the clinical significance of this alteration remains unclear.

Labcorp Genetics (formerly Invitae), Labcorp
Classification: Uncertain significance for Familial adenomatous polyposis 1. Last evaluated: 2022-05-26. Review status: criteria provided, single submitter. Criteria: Invitae Variant Classification Sherloc (09022015). Collection method: clinical testing. Allele origin: germline.
Comment: Algorithms developed to predict the effect of sequence changes on RNA splicing suggest that this variant may create or strengthen a splice site. In summary, the available evidence is currently insufficient to determine the role of this variant in disease. Therefore, it has been classified as a Variant of Uncertain Significance. Algorithms developed to predict the effect of missense changes on protein structure and function are either unavailable or do not agree on the potential impact of this missense change (SIFT: "Deleterious"; PolyPhen-2: "Benign"; Align-GVGD: "Class C0"). ClinVar contains an entry for this variant (Variation ID: 537475). This variant has not been reported in the literature in individuals affected with APC-related conditions. This variant is not present in population databases (gnomAD no frequency). This sequence change replaces proline, which is neutral and non-polar, with alanine, which is neutral and non-polar, at codon 437 of the APC protein (p.Pro437Ala).